The following is an entry in ClinVar:

NM_001042681.2(RERE):c.3556AAGGAG[1] (p.1186KE[1])

Gene: RERE (arginine-glutamic acid dipeptide repeats; minus strand). Cytogenetic location: 1p36.23.
Variant type: Microsatellite.
Coding change: c.3556AAGGAG[1] on transcript NM_001042681.2 (MANE Select); one copy of the 6-base unit AAGGAG starting at c.3556; the reference has three copies in a row; two copies, 12 bases deleted.
Protein change: p.1186KE[1].
Molecular consequence: inframe deletion.
Genome position (GRCh38, 1-based): chr1:8,359,809-8,359,820, CTCCTTCTCCTT deleted on the plus strand (AAGGAGAAGGAG on the coding strand, the reverse complement: RERE is on the minus strand); deleting any 12 consecutive bases within chr1:8,359,809-8,359,830 gives the same sequence; the position shown is the placement nearest the transcript's 3' end. VCF-style (leftmost placement, unchanged base first): chr1-8359808-GCTCCTTCTCCTT-G. GRCh37 (hg19) VCF-style: chr1-8419868-GCTCCTTCTCCTT-G.
Other names: c.1894AAGGAG[1], p.632KE[1] (NM_001042682.2); c.3556AAGGAG[1], p.1186KE[1] (NM_012102.4).
Identifiers: ClinVar variation 3020113 (VCV003020113.3), dbSNP rs147985313, ClinGen allele CA739603225.

ClinVar aggregate classification (germline): Uncertain significance (1 of 4 stars; one submission).

Submission:

Labcorp Genetics (formerly Invitae), Labcorp
Classification: Uncertain significance. Last evaluated: 2024-04-25. Review status: criteria provided, single submitter. Criteria: Invitae Variant Classification Sherloc (09022015). Collection method: clinical testing. Allele origin: germline.
Comment: This variant, c.3562_3573del, results in the deletion of 4 amino acid(s) of the RERE protein (p.Lys1188_Glu1191del), but otherwise preserves the integrity of the reading frame. This variant is not present in population databases (gnomAD no frequency). This variant has not been reported in the literature in individuals affected with RERE-related conditions. In summary, the available evidence is currently insufficient to determine the role of this variant in disease. Therefore, it has been classified as a Variant of Uncertain Significance.